The following is an entry in ClinVar:

NM_019066.5(MAGEL2):c.929A>G (p.Gln310Arg)

Gene: MAGEL2 (MAGE family member L2; minus strand). Cytogenetic location: 15q11.2.
Variant type: single nucleotide variant.
Coding change: c.929A>G on transcript NM_019066.5 (MANE Select); coding-DNA position 929, A replaced by G.
Protein change: p.Gln310Arg; replaces glutamine 310 with arginine.
Molecular consequence: missense variant.
Genome position (GRCh38, 1-based): chr15:23,646,814, T>C on the plus strand (A>G on the coding strand, the complement: MAGEL2 is on the minus strand). VCF-style: chr15-23646814-T-C. GRCh37 (hg19) VCF-style: chr15-23891961-T-C.
Other names: short protein forms Q310R.
Identifiers: ClinVar variation 3355021 (VCV003355021.3).

ClinVar aggregate classification (germline): Uncertain significance. Review status: criteria provided, single submitter (1 of 4 stars). 2 submissions from 2 submitters: Uncertain significance (1). 1 of the submissions does not count toward it. Last evaluated 2025-05-30.

Conditions:
MAGEL2-related disorder. Also called: MAGEL2-related condition.

gnomAD v4.1: 2 of 1,536,048 alleles (0.00013%); highest among the groups gnomAD compares: Admixed American, 0.002%; no homozygotes.

Submissions (2):

Dasa
Classification: Uncertain significance. Last evaluated: 2025-05-30. Review status: criteria provided, single submitter. Criteria: DASA Assertion Criteria. Collection method: clinical testing. Allele origin: germline.
Comment: NM_019066.5(MAGEL2):c.929A>G (p.Gln310Arg) is a missense variant that results in the substitution of glutamine with arginine. This variant is rare in population databases. The currently available literature and clinical evidence are not sufficient to establish a definitive association between this variant and the reported condition. Therefore, this variant is classified as a variant of uncertain significance.

PreventionGenetics, part of Exact Sciences
Classification: Uncertain significance for MAGEL2-related condition. Last evaluated: 2024-05-22. Review status: no assertion criteria provided. Collection method: clinical testing. Allele origin: germline. Not counted in ClinVar's aggregate classification.
Comment: The MAGEL2 c.929A>G variant is predicted to result in the amino acid substitution p.Gln310Arg. To our knowledge, this variant has not been reported in the literature or in a large population database, indicating this variant is rare. At this time, the clinical significance of this variant is uncertain due to the absence of conclusive functional and genetic evidence.